The following is an entry in ClinVar:

NM_000458.4(HNF1B):c.1136C>A (p.Ser379Ter)

Gene: HNF1B (HNF1 homeobox B; minus strand). Cytogenetic location: 17q12.
Variant type: single nucleotide variant.
Coding change: c.1136C>A on transcript NM_000458.4 (MANE Select); coding-DNA position 1136, C replaced by A.
Protein change: p.Ser379Ter; replaces serine 379 with a stop codon.
Molecular consequence: nonsense.
Genome position (GRCh38, 1-based): chr17:37,710,573, G>T on the plus strand (C>A on the coding strand, the complement: HNF1B is on the minus strand). VCF-style: chr17-37710573-G-T. GRCh37 (hg19) VCF-style: chr17-36070581-G-T.
Other names: c.1058C>A, p.Ser353Ter (NM_001165923.4, NM_001304286.2); short protein forms S379*, S353*.
Identifiers: ClinVar variation 635606 (VCV000635606.1), dbSNP rs1357937176, ClinGen allele CA398759387.

ClinVar aggregate classification (germline): Pathogenic (1 of 4 stars; one submission).

Conditions:
Renal cysts and diabetes syndrome (RCAD). Also called: Familial hypoplastic, glomerulocystic kidney; MATURITY-ONSET DIABETES OF THE YOUNG, TYPE 5. Identifiers: Orphanet 93111, MedGen C0431693, MONDO:0007669, OMIM 137920.

Submission:

Institute of Human Genetics, FAU Erlangen, Friedrich-Alexander-Universität Erlangen-Nürnberg
Classification: Pathogenic for Renal cysts and diabetes syndrome. Last evaluated: 2019-07-06. Review status: criteria provided, single submitter. Criteria: ACMG Guidelines, 2015. Collection method: literature only. Allele origin: germline. Affected: yes.
Comment: This variant and it's classification has been reported by Vasileiou et al. 2019; DOI:10.1101/576918. The variants has previously been reported in PMID:25700310; PMID:20378641; PMID:24897035 as "c.1136C>A" with clinical significance Pathogenic. It has been re-classified using InterVar and manual curation as Pathogenic based on PVS1 PM2 PP3.

Literature cited by the submitters: PubMed 25700310; PubMed 20378641; PubMed 24897035; DOI 10.1101/576918.